The following is an entry in ClinVar:

ClinVar aggregate classification (germline): Pathogenic (1 of 4 stars; one submission).

Submission:

Labcorp Genetics (formerly Invitae), Labcorp
Classification: Pathogenic. Last evaluated: 2024-04-29. Review status: criteria provided, single submitter. Criteria: Invitae Variant Classification Sherloc (09022015). Collection method: clinical testing. Allele origin: germline.
Comment: This sequence change creates a premature translational stop signal (p.Glu1444Argfs*10) in the KMT2A gene. It is expected to result in an absent or disrupted protein product. Loss-of-function variants in KMT2A are known to be pathogenic (PMID: 22795537, 25810209, 29574747). This variant is not present in population databases (gnomAD no frequency). This variant has not been reported in the literature in individuals affected with KMT2A-related conditions. For these reasons, this variant has been classified as Pathogenic.

Literature cited by the submitters: PubMed 22795537; PubMed 25810209; PubMed 29574747.

NM_001197104.2(KMT2A):c.4329dup (p.Glu1444fs)

Gene: KMT2A (lysine methyltransferase 2A; plus strand). Cytogenetic location: 11q23.3.
Variant type: Duplication.
Coding change: c.4329dup on transcript NM_001197104.2 (MANE Select); coding-DNA position 4329, one base duplicated (A; older notation c.4329dupA).
Protein change: p.Glu1444fs; shifts the reading frame from glutamic acid 1444.
Molecular consequence: frameshift variant.
Genome position (GRCh38, 1-based): chr11:118,484,972, A duplicated. VCF-style (leftmost placement, unchanged base first): chr11-118484971-T-TA. GRCh37 (hg19) VCF-style: chr11-118355686-T-TA.
Other names: c.4428dup, p.Glu1477fs (NM_001412597.1); c.4329dup, p.Glu1444fs (NM_005933.4); short protein forms E1444fs, E1477fs.
Identifiers: ClinVar variation 2714225 (VCV002714225.3), dbSNP rs2496885188, ClinGen allele CA2697559010.
Genomic context (GRCh38, chr11:118,484,971, plus strand): 5'-TGACTTCTGTTCCTATAACACCCAGGGTGGTTTGCTTTCTCTGTGCCAGTAGTGGGCATG[T>TA]AGAGGTAAGGCATCCTGCTTCTTTGTACCCCAGGAAGTACATAAATTATTTTTCTGTGGA-3'